The following is an entry in ClinVar:

NM_001368894.2(PAX6):c.1021A>G (p.Ser341Gly)

Gene: PAX6 (paired box 6; minus strand). Cytogenetic location: 11p13.
Variant type: single nucleotide variant.
Coding change: c.1021A>G on transcript NM_001368894.2 (MANE Select); coding-DNA position 1021, A replaced by G.
Protein change: p.Ser341Gly; replaces serine 341 with glycine.
Molecular consequence: missense variant. On other transcripts: non-coding transcript variant (2).
Genome position (GRCh38, 1-based): chr11:31,793,491, T>C on the plus strand (A>G on the coding strand, the complement: PAX6 is on the minus strand). VCF-style: chr11-31793491-T-C. GRCh37 (hg19) VCF-style: chr11-31815039-T-C.
Other names: c.979A>G, p.Ser327Gly (NM_000280.6, NM_001127612.3, NM_001258464.2 and 10 more transcripts); c.1021A>G, p.Ser341Gly (NM_001258462.3, NM_001258463.2, NM_001310158.2 and 6 more transcripts); c.571A>G, p.Ser191Gly (NM_001310160.2, NM_001310161.3, NM_001368909.2 and 11 more transcripts); c.1222A>G, p.Ser408Gly (NM_001368910.2); c.1024A>G, p.Ser342Gly (NM_001368911.2); c.778A>G, p.Ser260Gly (NM_001368928.2); c.376A>G, p.Ser126Gly (NM_001368930.2); c.1096A>G, p.Ser366Gly (NM_001368918.2, NM_001368919.2); and 2 more; short protein forms S126G, S191G, S260G, S274G, S327G, S341G, S342G, S352G.
Identifiers: ClinVar variation 2414487 (VCV002414487.8), dbSNP rs1432018608, ClinGen allele CA379956100.

ClinVar aggregate classification (germline): Uncertain significance. Review status: criteria provided, multiple submitters, no conflicts (2 of 4 stars). 2 submissions from 2 submitters: Uncertain significance (2). Last evaluated 2024-11-04.

Conditions:
Aniridia 1 (AN1). Identifiers: Orphanet 250923, MedGen C0344542, MONDO:0024507, OMIM 106210.
Foveal hypoplasia 1. Also called: FOVEAL HYPOPLASIA 1 WITH OR WITHOUT ANTERIOR SEGMENT ANOMALIES AND/OR CATARACT; FOVEAL HYPOPLASIA 1 WITH ANTERIOR SEGMENT ANOMALIES. Identifiers: Orphanet 2253, MedGen C3805604, MONDO:0007628, OMIM 136520.
Coloboma of optic nerve. Also called: OPTIC NERVE HEAD PITS, BILATERAL CONGENITAL; Congenital coloboma of the optic nerve; Coloboma of optic nerve (disease). Identifiers: Orphanet 35737, Orphanet 98947, MedGen C0155299, MONDO:0007354, OMIM 120430, HP:0000588.
Autosomal dominant keratitis. Also called: Keratitis, hereditary. Identifiers: Orphanet 2334, MedGen C1835698, MONDO:0007848, OMIM 148190.
Isolated optic nerve hypoplasia. Also called: Bilateral optic nerve hypoplasia. Identifiers: Orphanet 637061, MedGen C1833797, MONDO:0008136, OMIM 165550.
Irido-corneo-trabecular dysgenesis (ASGD5). Also called: ANTERIOR SEGMENT DYSGENESIS 5. Identifiers: Orphanet 708, MedGen C0344559, MONDO:0011414, OMIM 604229, HP:0000659.
Coloboma, ocular, autosomal dominant (MCOPCB12). Also called: Microphthalmia/coloboma 12. Identifiers: MedGen C5886785, MONDO:0007350, OMIM 120200.

Allele frequency attached by ClinVar (database versions not stated): gnomAD 0.00001; TOPMed 0.00002.
gnomAD v4.1: 1 of 1,614,086 alleles (0.000062%); highest among the groups gnomAD compares: East Asian, 0.0022%; no homozygotes.

Submissions (2):

Labcorp Genetics (formerly Invitae), Labcorp
Classification: Uncertain significance for Aniridia 1; Irido-corneo-trabecular dysgenesis. Last evaluated: 2024-11-04. Review status: criteria provided, single submitter. Criteria: Invitae Variant Classification Sherloc (09022015). Collection method: clinical testing. Allele origin: germline.
Comment: This sequence change replaces serine, which is neutral and polar, with glycine, which is neutral and non-polar, at codon 327 of the PAX6 protein (p.Ser327Gly). This variant is not present in population databases (gnomAD no frequency). This variant has not been reported in the literature in individuals affected with PAX6-related conditions. ClinVar contains an entry for this variant (Variation ID: 2414487). Invitae Evidence Modeling of protein sequence and biophysical properties (such as structural, functional, and spatial information, amino acid conservation, physicochemical variation, residue mobility, and thermodynamic stability) indicates that this missense variant is not expected to disrupt PAX6 protein function with a negative predictive value of 80%. In summary, the available evidence is currently insufficient to determine the role of this variant in disease. Therefore, it has been classified as a Variant of Uncertain Significance.

Juno Genomics, Hangzhou Juno Genomics, Inc
Classification: Uncertain significance for Coloboma, ocular, autosomal dominant; Coloboma of optic nerve; Aniridia 1; Irido-corneo-trabecular dysgenesis; Foveal hypoplasia 1; Autosomal dominant keratitis; Isolated optic nerve hypoplasia. Review status: criteria provided, single submitter. Criteria: ACMG Guidelines, 2015. Collection method: clinical testing. Allele origin: germline.
Comment: Absent from controls (or at extremely low frequency if recessive) in Genome Aggregation Database.;Missense variant in a gene that has a low rate of benign missense variation.